The following is an entry in ClinVar:

NM_021619.3(PRDM12):c.996_1016dup (p.Ala339_Pro340insHisSerProAlaLeuProAla)

Gene: PRDM12 (PR/SET domain 12; plus strand). Cytogenetic location: 9q34.12.
Variant type: Duplication.
Coding change: c.996_1016dup on transcript NM_021619.3 (MANE Select); coding-DNA positions 996 to 1016, 21 bases duplicated (ACACTCGCCCGCGCTGCCCGC).
Protein change: p.Ala339_Pro340insHisSerProAlaLeuProAla.
Molecular consequence: inframe insertion.
Genome position (GRCh38, 1-based): chr9:130,681,561-130,681,581, ACACTCGCCCGCGCTGCCCGC duplicated; duplicating any 21 consecutive bases within chr9:130,681,559-130,681,581 gives the same sequence; the c. name uses the placement nearest the transcript's 3' end. VCF-style (leftmost placement, unchanged base first): chr9-130681558-G-GGCACACTCGCCCGCGCTGCCC. GRCh37 (hg19) VCF-style: chr9-133556945-G-GGCACACTCGCCCGCGCTGCCC.
Other names: c.996_1016dup21 (NM_021619.3).
Identifiers: ClinVar variation 2046683 (VCV002046683.4), dbSNP rs1321020288, ClinGen allele CA860447875.

ClinVar aggregate classification (germline): Uncertain significance. Review status: criteria provided, multiple submitters, no conflicts (2 of 4 stars). 2 submissions from 2 submitters: Uncertain significance (2). Last evaluated 2026-05-07.

Conditions:
Congenital insensitivity to pain-hypohidrosis syndrome. Also called: HSAN VIII; Neuropathy, hereditary sensory and autonomic, type VIII. Identifiers: Orphanet 478664, MedGen C4225308, MONDO:0014662, OMIM 616488.

Submissions (2):

Women's Health and Genetics/Laboratory Corporation of America, LabCorp
Classification: Uncertain significance. Last evaluated: 2026-05-07. Review status: criteria provided, single submitter. Criteria: LabCorp Variant Classification Summary - May 2015. Collection method: clinical testing. Allele origin: germline.
Comment: Variant summary: PRDM12 c.996_1016dup21 (p.His333_Ala339dup) results in an in-frame duplication that is predicted to duplicate 7 amino acids into the encoded protein. The variant was absent in 25594 control chromosomes. The available data on variant occurrences in the general population are insufficient to allow any conclusion about variant significance. To our knowledge, no occurrence of c.996_1016dup21 in individuals affected with PRDM12-related conditions and no experimental evidence demonstrating its impact on protein function have been reported. ClinVar contains an entry for this variant (Variation ID: 2046683). Based on the evidence outlined above, the variant was classified as uncertain significance.

Labcorp Genetics (formerly Invitae), Labcorp
Classification: Uncertain significance for Congenital insensitivity to pain-hypohidrosis syndrome. Last evaluated: 2022-03-23. Review status: criteria provided, single submitter. Criteria: Invitae Variant Classification Sherloc (09022015). Collection method: clinical testing. Allele origin: germline.
Comment: In summary, the available evidence is currently insufficient to determine the role of this variant in disease. Therefore, it has been classified as a Variant of Uncertain Significance. This variant has not been reported in the literature in individuals affected with PRDM12-related conditions. The frequency data for this variant in the population databases is considered unreliable, as metrics indicate insufficient coverage at this position in the gnomAD database. This variant, c.996_1016dup, results in the insertion of 7 amino acid(s) of the PRDM12 protein (p.His333_Ala339dup), but otherwise preserves the integrity of the reading frame.